The following is an entry in ClinVar:

ClinVar aggregate classification (germline): Uncertain significance (1 of 4 stars; one submission).

Allele frequency attached by ClinVar (database versions not stated): gnomAD exomes below 0.00001; ExAC 0.00001; gnomAD 0.00002.
gnomAD v4.1: 8 of 1,612,180 alleles (0.0005%); highest among the groups gnomAD compares: Non-Finnish European, 0.00042%; no homozygotes.

Submission:

GeneDx
Classification: Uncertain significance. Last evaluated: 2022-11-01. Review status: criteria provided, single submitter. Criteria: GeneDx Variant Classification Process June 2021. Collection method: clinical testing. Allele origin: germline. Affected: yes.
Comment: In silico analysis supports that this missense variant has a deleterious effect on protein structure/function; Has not been previously published as pathogenic or benign to our knowledge

NM_006929.5(SKIC2):c.560C>T (p.Pro187Leu)

Gene: SKIC2 (SKI2 subunit of superkiller complex; plus strand). Cytogenetic location: 6p21.33.
Variant type: single nucleotide variant.
Coding change: c.560C>T on transcript NM_006929.5 (MANE Select); coding-DNA position 560, C replaced by T.
Protein change: p.Pro187Leu; replaces proline 187 with leucine.
Molecular consequence: missense variant.
Genome position (GRCh38, 1-based): chr6:31,961,056, C>T. VCF-style: chr6-31961056-C-T. GRCh37 (hg19) VCF-style: chr6-31928833-C-T.
Other names: short protein forms P187L.
Identifiers: ClinVar variation 2500449 (VCV002500449.1), dbSNP rs762195642, ClinGen allele CA3729208.